The following is an entry in ClinVar:

ClinVar aggregate classification (germline): Benign (1 of 4 stars; one submission).

Conditions:
Hepatic methionine adenosyltransferase deficiency. Also called: MAT I/III DEFICIENCY; Deficiency of methionine adenosyltransferase; Isolated Persistent Hypermethioninemia; Methionine adenosyltransferase deficiency. Identifiers: Orphanet 168598, MedGen C0268621, MeSH C564683, MONDO:0009607, OMIM 250850.

Allele frequency attached by ClinVar (database versions not stated): gnomAD 0.02697 and 0.02887; 1000 Genomes Project 0.02855; 1000 Genomes Project 30x 0.02920; TOPMed 0.03051.

Submission:

Illumina Laboratory Services, Illumina
Classification: Benign for Hepatic methionine adenosyltransferase deficiency. Last evaluated: 2018-01-13. Review status: criteria provided, single submitter. Criteria: ICSL Variant Classification Criteria 13 December 2019. Collection method: clinical testing. Allele origin: germline.
Comment: This variant was observed in the ICSL laboratory as part of a predisposition screen in an ostensibly healthy population. It had not been previously curated by ICSL or reported in the Human Gene Mutation Database (HGMD: prior to June 1st, 2018), and was therefore a candidate for classification through an automated scoring system. Utilizing variant allele frequency, disease prevalence and penetrance estimates, and inheritance mode, an automated score was calculated to assess if this variant is too frequent to cause the disease. Based on the score and internal cut-off values, a variant classified as benign is not then subjected to further curation. The score for this variant resulted in a classification of benign for this disease.

NM_000429.3(MAT1A):c.*1292G>C

Gene: MAT1A (methionine adenosyltransferase 1A; minus strand). Cytogenetic location: 10q22.3.
Variant type: single nucleotide variant.
Coding change: c.*1292G>C on transcript NM_000429.3 (MANE Select); 1292 bases downstream of the stop codon, G replaced by C.
Molecular consequence: 3 prime UTR variant.
Genome position (GRCh38, 1-based): chr10:80,272,489, C>G on the plus strand (G>C on the coding strand, the complement: MAT1A is on the minus strand). VCF-style: chr10-80272489-C-G. GRCh37 (hg19) VCF-style: chr10-82032245-C-G.
Identifiers: ClinVar variation 301156 (VCV000301156.5), dbSNP rs58141836, ClinGen allele CA10636101.